The following is an entry in ClinVar:

ClinVar aggregate classification (germline): Uncertain significance (1 of 4 stars; one submission).

Conditions:
INSR-related disorder.

Allele frequency attached by ClinVar (database versions not stated): gnomAD exomes below 0.00001.
gnomAD v4.1: 5 of 1,614,224 alleles (0.00031%); highest among the groups gnomAD compares: African/African-American, 0.0053%; no homozygotes.

Submission:

PreventionGenetics, part of Exact Sciences
Classification: Uncertain significance for INSR-related condition. Last evaluated: 2025-10-29. Review status: criteria provided, single submitter. Criteria: ACMG Guidelines, 2015. Collection method: clinical testing. Allele origin: germline.
Comment: The INSR c.601A>G variant is predicted to result in the amino acid substitution p.Ile201Val. To our knowledge, this variant has not been reported in the literature or in a large population database, indicating this variant is rare. At this time, the clinical significance of this variant is uncertain due to the absence of conclusive functional and genetic evidence.

NM_000208.4(INSR):c.601A>G (p.Ile201Val)

Gene: INSR (insulin receptor; minus strand). Cytogenetic location: 19p13.2.
Variant type: single nucleotide variant.
Coding change: c.601A>G on transcript NM_000208.4 (MANE Select); coding-DNA position 601, A replaced by G.
Protein change: p.Ile201Val; replaces isoleucine 201 with valine.
Molecular consequence: missense variant.
Genome position (GRCh38, 1-based): chr19:7,267,396, T>C on the plus strand (A>G on the coding strand, the complement: INSR is on the minus strand). VCF-style: chr19-7267396-T-C. GRCh37 (hg19) VCF-style: chr19-7267407-T-C.
Other names: c.601A>G, p.Ile201Val (NM_001079817.3); short protein forms I201V.
Identifiers: ClinVar variation 2630335 (VCV002630335.2), dbSNP rs923359080, ClinGen allele CA304647708.